The following is an entry in ClinVar:

NC_000011.10:g.47338682G>A

Gene: MYBPC3 (myosin binding protein C3; minus strand). Cytogenetic location: 11p11.2.
Variant type: single nucleotide variant.
Genome position: GRCh38 VCF-style: chr11-47338682-G-A. GRCh37 (hg19) VCF-style: chr11-47360233-G-A.
Other names: c.2149-3C>T (LRG_386t1, NM_000256.3).
Identifiers: ClinVar variation 386620 (VCV000386620.7), dbSNP rs113182334, ClinGen allele CA078546.

ClinVar aggregate classification (germline): Conflicting classifications of pathogenicity. Review status: criteria provided, conflicting classifications (1 of 4 stars). 3 submissions from 3 submitters: Uncertain significance (2); Likely benign (1). Last evaluated 2025-12-28.

Conditions:
Hypertrophic cardiomyopathy. Also called: HYPERTROPHIC MYOCARDIOPATHY. Identifiers: Orphanet 217569, MedGen C0007194, MeSH D002312, MONDO:0005045, HP:0001639.
Cardiovascular phenotype. Identifiers: MedGen CN230736.

Allele frequency attached by ClinVar (database versions not stated): ExAC 0.00001; gnomAD 0.00002; TOPMed 0.00003.
gnomAD v4.1: 4 of 1,605,280 alleles (0.00025%); highest among the groups gnomAD compares: African/African-American, 0.004%; no homozygotes.

Submissions (3):

Labcorp Genetics (formerly Invitae), Labcorp
Classification: Uncertain significance for Hypertrophic cardiomyopathy. Last evaluated: 2025-12-28. Review status: criteria provided, single submitter. Criteria: Invitae Variant Classification Sherloc (09022015). Collection method: clinical testing. Allele origin: germline.
Comment: This sequence change falls in intron 22 of the MYBPC3 gene. It does not directly change the encoded amino acid sequence of the MYBPC3 protein. It affects a nucleotide within the consensus splice site. The frequency data for this variant in the population databases is considered unreliable, as metrics indicate poor data quality at this position in the gnomAD database. This variant has not been reported in the literature in individuals affected with MYBPC3-related conditions. ClinVar contains an entry for this variant (Variation ID: 386620). Variants that disrupt the consensus splice site are a relatively common cause of aberrant splicing (PMID: 17576681, 9536098). Algorithms developed to predict the effect of sequence changes on RNA splicing suggest that this variant is not likely to affect RNA splicing. In summary, the available evidence is currently insufficient to determine the role of this variant in disease. Therefore, it has been classified as a Variant of Uncertain Significance.

Ambry Genetics
Classification: Uncertain significance for Cardiovascular phenotype. Last evaluated: 2024-03-01. Review status: criteria provided, single submitter. Criteria: Ambry Variant Classification Scheme 2023. Collection method: clinical testing. Allele origin: germline.
Comment: The c.2149-3C>T intronic variant results from a C to T substitution 3 nucleotides upstream from coding exon 23 in the MYBPC3 gene. This nucleotide position is well conserved in available vertebrate species. In silico splice site analysis predicts that this alteration will not have any significant effect on splicing. Based on the available evidence, the clinical significance of this alteration remains unclear.

GeneDx
Classification: Likely benign. Last evaluated: 2016-05-27. Review status: criteria provided, single submitter. Criteria: GeneDx Variant Classification (06012015). Collection method: clinical testing. Allele origin: germline. Affected: yes.
Comment: This variant is considered likely benign or benign based on one or more of the following criteria: it is a conservative change, it occurs at a poorly conserved position in the protein, it is predicted to be benign by multiple in silico algorithms, and/or has population frequency not consistent with disease.

Literature cited by the submitters: PubMed 17576681 (cited by Labcorp Genetics (formerly Invitae), Labcorp); PubMed 9536098 (cited by Labcorp Genetics (formerly Invitae), Labcorp).